The following is an entry in ClinVar:

NM_012079.6(DGAT1):c.1A>G (p.Met1Val)

Genes: DGAT1 (diacylglycerol O-acyltransferase 1; minus strand), LOC130001386 (ATAC-STARR-seq lymphoblastoid silent region 19673; plus strand). Cytogenetic location: 8q24.3.
Variant type: single nucleotide variant.
Coding change: c.1A>G on transcript NM_012079.6 (MANE Select); coding-DNA position 1, A replaced by G.
Protein change: p.Met1Val; changes the start codon (methionine 1).
Molecular consequence: missense variant, initiator codon variant.
Genome position (GRCh38, 1-based): chr8:144,326,636, T>C on the plus strand (A>G on the coding strand, the complement: DGAT1 is on the minus strand). VCF-style: chr8-144326636-T-C. GRCh37 (hg19) VCF-style: chr8-145550299-T-C.
Other names: short protein forms M1V.
Identifiers: ClinVar variation 3336233 (VCV003336233.2).

ClinVar aggregate classification (germline): Conflicting classifications of pathogenicity. Review status: criteria provided, conflicting classifications (1 of 4 stars). 2 submissions from 2 submitters: Likely pathogenic (1); Uncertain significance (1). Last evaluated 2024-05-03.

Conditions:
Congenital diarrhea 7 with exudative enteropathy. Also called: Diarrhea 7. Identifiers: Orphanet 329242, MedGen C4014516, MONDO:0014375, OMIM 615863.

Submissions (2):

Fulgent Genetics
Classification: Likely pathogenic for Congenital diarrhea 7 with exudative enteropathy. Last evaluated: 2024-05-03. Review status: criteria provided, single submitter. Criteria: ACMG Guidelines, 2015. Collection method: clinical testing. Allele origin: germline.

Women's Health and Genetics/Laboratory Corporation of America, LabCorp
Classification: Uncertain significance. Last evaluated: 2024-05-02. Review status: criteria provided, single submitter. Criteria: LabCorp Variant Classification Summary - May 2015. Collection method: clinical testing. Allele origin: germline.
Comment: Variant summary: DGAT1 c.1A>G (p.Met1Val) alters the initiation codon and is predicted to result either in absence of the protein or truncation of the encoded protein due to translation initiation at a downstream codon. The next downstream in-frame Met occurs at Met95, and no pathogenic non-NMD variants have been identified upstream of this codon. Two of two in-silico tools predict a benign effect of the variant on protein function. The frequency data for this variant in gnomAD is considered unreliable, as metrics indicate poor data quality at this position. To our knowledge, no occurrence of c.1A>G in individuals affected with Congenital Diarrhea 7 With Exudative Enteropathy and no experimental evidence demonstrating its impact on protein function have been reported. No submitters have cited clinical-significance assessments for this variant to ClinVar. Based on the evidence outlined above, the variant was classified as uncertain significance.